The following is an entry in ClinVar:

NM_001297.5(CNGB1):c.1786G>A (p.Glu596Lys)

Gene: CNGB1 (cyclic nucleotide gated channel subunit beta 1; minus strand). Cytogenetic location: 16q21.
Variant type: single nucleotide variant.
Coding change: c.1786G>A on transcript NM_001297.5 (MANE Select); coding-DNA position 1786, G replaced by A.
Protein change: p.Glu596Lys; replaces glutamic acid 596 with lysine.
Molecular consequence: missense variant.
Genome position (GRCh38, 1-based): chr16:57,920,402, C>T on the plus strand (G>A on the coding strand, the complement: CNGB1 is on the minus strand). VCF-style: chr16-57920402-C-T. GRCh37 (hg19) VCF-style: chr16-57954306-C-T.
Other names: c.1768G>A, p.Glu590Lys (NM_001286130.2); short protein forms E590K, E596K.
Identifiers: ClinVar variation 939987 (VCV000939987.10), dbSNP rs199804324, ClinGen allele CA281604469.
Genomic context (GRCh38, chr16:57,920,402, plus strand): 5'-CACCCCATCCCCATCCAGGTAGACCCCCTCCAGCTCCAGACTCACAGGGCTTGGGGCTCT[C>T]CTCATCAGAGGTGACGTCAGGGTCAATGAGTTTCTCCTTCACTTTCTCTGTCCGCTCCTT-3'
Protein context (NP_001288.3, residues 586-606): LIDPDVTSDE[Glu596Lys]SPKPSPAKKA

ClinVar aggregate classification (germline): Uncertain significance. Review status: criteria provided, multiple submitters, no conflicts (2 of 4 stars). 2 submissions from 2 submitters: Uncertain significance (2). Last evaluated 2025-10-13.

Allele frequency attached by ClinVar (database versions not stated): gnomAD exomes 0.00001 and 0.00003; gnomAD 0.00007 and 0.00008; TOPMed 0.00007; 1000 Genomes Project 0.00020; 1000 Genomes Project 30x 0.00031.
gnomAD v4.1: 25 of 1,614,172 alleles (0.0015%); highest among the groups gnomAD compares: African/African-American, 0.027%; no homozygotes.

Submissions (2):

Labcorp Genetics (formerly Invitae), Labcorp
Classification: Uncertain significance. Last evaluated: 2025-10-13. Review status: criteria provided, single submitter. Criteria: Invitae Variant Classification Sherloc (09022015). Collection method: clinical testing. Allele origin: germline.
Comment: This sequence change replaces glutamic acid, which is acidic and polar, with lysine, which is basic and polar, at codon 596 of the CNGB1 protein (p.Glu596Lys). This variant is present in population databases (rs199804324, gnomAD 0.03%). This variant has not been reported in the literature in individuals affected with CNGB1-related conditions. ClinVar contains an entry for this variant (Variation ID: 939987). Invitae Evidence Modeling of protein sequence and biophysical properties (such as structural, functional, and spatial information, amino acid conservation, physicochemical variation, residue mobility, and thermodynamic stability) indicates that this missense variant is not expected to disrupt CNGB1 protein function with a negative predictive value of 80%. In summary, the available evidence is currently insufficient to determine the role of this variant in disease. Therefore, it has been classified as a Variant of Uncertain Significance.

Blueprint Genetics
Classification: Uncertain significance. Last evaluated: 2021-11-26. Review status: criteria provided, single submitter. Criteria: ACMG Guidelines, 2015. Collection method: clinical testing. Allele origin: germline.